The following is an entry in ClinVar:

ClinVar aggregate classification (germline): Conflicting classifications of pathogenicity. Review status: criteria provided, conflicting classifications (1 of 4 stars). 2 submissions from 2 submitters: Uncertain significance (1); Likely benign (1). Last evaluated 2025-12-16.

Conditions:
Inborn genetic diseases. Identifiers: MedGen C0950123, MeSH D030342.

Allele frequency attached by ClinVar (database versions not stated): ESP Exome Variant Server 0.00008.
gnomAD v4.1: 32 of 1,612,968 alleles (0.002%); highest among the groups gnomAD compares: Middle Eastern, 0.033%; no homozygotes.

Submissions (2):

Labcorp Genetics (formerly Invitae), Labcorp
Classification: Uncertain significance. Last evaluated: 2025-12-16. Review status: criteria provided, single submitter. Criteria: Invitae Variant Classification Sherloc (09022015). Collection method: clinical testing. Allele origin: germline.
Comment: This sequence change replaces proline, which is neutral and non-polar, with alanine, which is neutral and non-polar, at codon 8 of the PYROXD1 protein (p.Pro8Ala). This variant is present in population databases (rs370239493, gnomAD 0.03%). This variant has not been reported in the literature in individuals affected with PYROXD1-related conditions. ClinVar contains an entry for this variant (Variation ID: 1409544). An algorithm developed to predict the effect of missense changes on protein structure and function outputs the following: PolyPhen-2: "Benign". The alanine amino acid residue is found in multiple mammalian species, which suggests that this missense change does not adversely affect protein function. In summary, the available evidence is currently insufficient to determine the role of this variant in disease. Therefore, it has been classified as a Variant of Uncertain Significance.

Ambry Genetics
Classification: Likely benign for Inborn genetic diseases. Last evaluated: 2024-01-03. Review status: criteria provided, single submitter. Criteria: Ambry Variant Classification Scheme 2023. Collection method: clinical testing. Allele origin: germline.

NM_024854.5(PYROXD1):c.22C>G (p.Pro8Ala)

Genes: PYROXD1 (pyridine nucleotide-disulphide oxidoreductase domain 1; plus strand), LOC130007527 (ATAC-STARR-seq lymphoblastoid active region 6087; plus strand). Cytogenetic location: 12p12.1.
Variant type: single nucleotide variant.
Coding change: c.22C>G on transcript NM_024854.5 (MANE Select); coding-DNA position 22, C replaced by G.
Protein change: p.Pro8Ala; replaces proline 8 with alanine.
Molecular consequence: missense variant. On other transcripts: 5 prime UTR variant (1).
Genome position (GRCh38, 1-based): chr12:21,437,752, C>G. VCF-style: chr12-21437752-C-G. GRCh37 (hg19) VCF-style: chr12-21590686-C-G.
Other names: c.-682C>G (NM_001350913.2); c.22C>G (NM_024854.3); short protein forms P8A.
Identifiers: ClinVar variation 1409544 (VCV001409544.7), dbSNP rs370239493, ClinGen allele CA6478043.